The following is an entry in ClinVar:

NM_004360.5(CDH1):c.1793G>C (p.Arg598Pro)

Gene: CDH1 (cadherin 1; plus strand). Cytogenetic location: 16q22.1.
Variant type: single nucleotide variant.
Coding change: c.1793G>C on transcript NM_004360.5 (MANE Select); coding-DNA position 1793, G replaced by C.
Protein change: p.Arg598Pro; replaces arginine 598 with proline.
Molecular consequence: missense variant. On other transcripts: 5 prime UTR variant (1).
Genome position (GRCh38, 1-based): chr16:68,822,082, G>C. VCF-style: chr16-68822082-G-C. GRCh37 (hg19) VCF-style: chr16-68855985-G-C.
Other names: c.1610G>C, p.Arg537Pro (NM_001317184.2); c.245G>C, p.Arg82Pro (NM_001317185.2); c.-173G>C (NM_001317186.2); short protein forms R598P, R82P, R537P.
Identifiers: ClinVar variation 820090 (VCV000820090.15), dbSNP rs780759537, ClinGen allele CA396466676.

ClinVar aggregate classification (germline): Uncertain significance. Review status: criteria provided, multiple submitters, no conflicts (2 of 4 stars). 2 submissions from 2 submitters: Uncertain significance (2). Last evaluated 2025-10-22.

Conditions:
Hereditary cancer-predisposing syndrome. Also called: Hereditary Cancer Syndrome; Neoplastic Syndromes, Hereditary; Hereditary neoplastic syndrome; Tumor predisposition. Identifiers: Orphanet 140162, MedGen C0027672, MeSH D009386, MONDO:0015356.
Hereditary diffuse gastric adenocarcinoma (HDGC). Also called: DIFFUSE GASTRIC AND LOBULAR BREAST CANCER SYNDROME. Identifiers: Orphanet 26106, MedGen C1708349, MONDO:0007648, OMIM 137215.

Submissions (2):

Ambry Genetics
Classification: Uncertain significance for Hereditary cancer-predisposing syndrome. Last evaluated: 2025-10-22. Review status: criteria provided, single submitter. Criteria: Ambry Variant Classification Scheme 2023. Collection method: clinical testing. Allele origin: germline.
Comment: The p.R598P variant (also known as c.1793G>C), located in coding exon 12 of the CDH1 gene, results from a G to C substitution at nucleotide position 1793. The arginine at codon 598 is replaced by proline, an amino acid with dissimilar properties. This amino acid position is highly conserved in available vertebrate species. In addition, the in silico prediction for this alteration is inconclusive. Based on the available evidence, the clinical significance of this variant remains unclear.

Labcorp Genetics (formerly Invitae), Labcorp
Classification: Uncertain significance for Hereditary diffuse gastric adenocarcinoma. Last evaluated: 2025-02-03. Review status: criteria provided, single submitter. Criteria: Invitae Variant Classification Sherloc (09022015). Collection method: clinical testing. Allele origin: germline.
Comment: This sequence change replaces arginine, which is basic and polar, with proline, which is neutral and non-polar, at codon 598 of the CDH1 protein (p.Arg598Pro). This variant is not present in population databases (gnomAD no frequency). This variant has not been reported in the literature in individuals affected with CDH1-related conditions. ClinVar contains an entry for this variant (Variation ID: 820090). An algorithm developed to predict the effect of missense changes on protein structure and function (PolyPhen-2) suggests that this variant is likely to be disruptive. In summary, the available evidence is currently insufficient to determine the role of this variant in disease. Therefore, it has been classified as a Variant of Uncertain Significance.